The following continues an entry in ClinVar:

NM_007194.4(CHEK2):c.608A>G (p.Asp203Gly)

Gene: CHEK2. ClinVar aggregate classification (germline): Uncertain significance. Uncertain significance (11).

Submissions 8 to 11 of 11:

GeneDx
Classification: Uncertain significance. Last evaluated: 2023-04-24. Review status: criteria provided, single submitter. Criteria: GeneDx Variant Classification Process June 2021. Collection method: clinical testing. Allele origin: germline. Affected: yes.
Comment: Not observed in large population cohorts (gnomAD); In silico analysis supports that this missense variant has a deleterious effect on protein structure/function; Published functional studies are conflicting: some suggest DNA damage response is comparable to wild type (Delimitsou et al., 2019), while others show intermediate levels of Kap1 phosphorylation (Boonen et al., 2022); Observed in individuals with personal and/or family history of breast and thyroid cancer (Dominguez-Valentin et al., 2018; Boonen et al., 2022); This variant is associated with the following publications: (PMID: 19782031, 27739435, 31811167, 31398194, 22419737, 30851065, 28608266, 34903604)

Color Diagnostics, LLC DBA Color Health
Classification: Uncertain significance for Hereditary cancer-predisposing syndrome. Last evaluated: 2023-03-07. Review status: criteria provided, single submitter. Criteria: ACMG Guidelines, 2015. Collection method: clinical testing. Allele origin: germline.
Comment: This missense variant replaces aspartic acid with glycine at codon 203 of the CHEK2 protein. Computational prediction suggests that this variant may have deleterious impact on protein structure and function (internally defined REVEL score threshold >= 0.7, PMID: 27666373). Functional studies have shown that this variant partially disrupted protein stability and kinase activity (PMID: 34903604), had a neutral effect on CHEK2 function in a yeast DNA damage repair assay (PMID: 30851065), and did not affect RNA splicing in a minigene assay (PMID: 31811167). This variant has been reported in individuals affected with breast cancer (PMID: 28608266, 34903604). One of these individuals was affected with both thyroid cancer and bilateral breast cancer (PMID 28608266). This individual also carried a pathogenic variant in the same gene that could explain the observed disease. This variant has not been identified in the general population by the Genome Aggregation Database (gnomAD). The available evidence is insufficient to determine the role of this variant in disease conclusively. Therefore, this variant is classified as a Variant of Uncertain Significance.

Sema4
Classification: Uncertain significance for Hereditary cancer-predisposing syndrome. Last evaluated: 2021-09-03. Review status: criteria provided, single submitter. Criteria: Sema4 Curation Guidelines. Collection method: curation. Allele origin: germline.
Comment: The CHEK2 c.608A>G (p.D203G) variant has been reported in heterozygosity in at least one individual with thyroid and bilateral breast cancer (PMID: 28608266). This variant is not reported in the population database Genome Aggregation Database (PMID: 32461654). The variant has been reported in ClinVar (Variation ID 142909). In silico tools suggest the impact of the variant on protein function is deleterious. However, a yeast-based growth assay showed similar growth to a wild-type control, and in vitro splicing assays showed no aberrant splicing (PMID: 30851065, 28608266, 31811167). The evidence is insufficient to meet ACMG/AMP criteria for classifying the variant as benign or pathogenic. Thus, the clinical significance of this variant is currently uncertain.

Quest Diagnostics Nichols Institute San Juan Capistrano
Classification: Uncertain significance. Last evaluated: 2019-03-12. Review status: criteria provided, single submitter. Criteria: Quest Diagnostics criteria. Collection method: clinical testing. Allele origin: germline.

Literature cited by the submitters: PubMed 28608266 (cited by 6 submitters); PubMed 30851065 (cited by 5 submitters); PubMed 31811167 (cited by 3 submitters); PubMed 34903604 (cited by 4 submitters); PubMed 33471991 (cited by Women's Health and Genetics/Laboratory Corporation of America, LabCorp); PubMed 33120919 (cited by Women's Health and Genetics/Laboratory Corporation of America, LabCorp); PubMed 37449874 (cited by Ambry Genetics).